The following is an entry in ClinVar:

ClinVar aggregate classification (germline): Uncertain significance (1 of 4 stars; one submission).

Submission:

Labcorp Genetics (formerly Invitae), Labcorp
Classification: Uncertain significance. Last evaluated: 2022-03-07. Review status: criteria provided, single submitter. Criteria: Invitae Variant Classification Sherloc (09022015). Collection method: clinical testing. Allele origin: germline.
Comment: In summary, the available evidence is currently insufficient to determine the role of this variant in disease. Therefore, it has been classified as a Variant of Uncertain Significance. Algorithms developed to predict the effect of sequence changes on RNA splicing suggest that this variant may disrupt the consensus splice site. Experimental studies and prediction algorithms are not available or were not evaluated, and the functional significance of this variant is currently unknown. This variant has not been reported in the literature in individuals affected with TUBGCP6-related conditions. This variant is not present in population databases (gnomAD no frequency). This variant, c.3566_3808del, results in the deletion of 81 amino acid(s) of the TUBGCP6 protein (p.Gly1189_His1269del), but otherwise preserves the integrity of the reading frame.

NM_020461.4(TUBGCP6):c.3566_3808del (p.Gly1189_His1269del)

Gene: TUBGCP6 (tubulin gamma complex component 6; minus strand). Cytogenetic location: 22q13.33.
Variant type: Deletion.
Coding change: c.3566_3808del on transcript NM_020461.4 (MANE Select); coding-DNA positions 3566 to 3808, 243 bases deleted.
Protein change: p.Gly1189_His1269del.
Molecular consequence: inframe deletion.
Genome position (GRCh38, 1-based): chr22:50,220,551-50,220,793, 243 bases deleted. GRCh37 (hg19): chr22:50,659,004-50,659,246.
Identifiers: ClinVar variation 2107501 (VCV002107501.4), dbSNP rs2519133013, ClinGen allele CA2580100086.